The following is an entry in ClinVar:

NM_004239.4(TRIP11):c.1752A>G (p.Lys584=)

Gene: TRIP11 (thyroid hormone receptor interactor 11; minus strand). Cytogenetic location: 14q32.12.
Variant type: single nucleotide variant.
Coding change: c.1752A>G on transcript NM_004239.4 (MANE Select); coding-DNA position 1752, A replaced by G.
Protein change: p.Lys584=; no amino-acid change (lysine 584 retained).
Molecular consequence: synonymous variant.
Genome position (GRCh38, 1-based): chr14:92,006,224, T>C on the plus strand (A>G on the coding strand, the complement: TRIP11 is on the minus strand). VCF-style: chr14-92006224-T-C. GRCh37 (hg19) VCF-style: chr14-92472568-T-C.
Other names: c.1749A>G, p.Lys583= (NM_001321851.1).
Identifiers: ClinVar variation 3660986 (VCV003660986.2).
Genomic context (GRCh38, chr14:92,006,224, plus strand): 5'-CTTCTGGATGCTTACATTACTTTCTTGTGATTTATTTAGCTGATCTACTAAATTTTCTAC[T>C]TTGTCCTCAAGTTTCTGCTTGGTTAAATGTAAATCATTTAGGGCCACTTCACTTTGAATT-3'
Protein context (NP_004230.2, residues 574-594): LHLTKQKLED[Lys584=]VENLVDQLNK

ClinVar aggregate classification (germline): Uncertain significance (1 of 4 stars; one submission).

Conditions:
Achondrogenesis, type IA (ACG1A). Identifiers: Orphanet 932, Orphanet 93299, MedGen C0265273, MONDO:0008701, OMIM 200600.

gnomAD v4.1: 2 of 1,613,174 alleles (0.00012%); highest among the groups gnomAD compares: Non-Finnish European, 0.00017%; no homozygotes.

Submission:

Labcorp Genetics (formerly Invitae), Labcorp
Classification: Uncertain significance for Achondrogenesis, type IA. Last evaluated: 2024-08-13. Review status: criteria provided, single submitter. Criteria: Invitae Variant Classification Sherloc (09022015). Collection method: clinical testing. Allele origin: germline.
Comment: This sequence change affects codon 584 of the TRIP11 mRNA. It is a 'silent' change, meaning that it does not change the encoded amino acid sequence of the TRIP11 protein. This variant is present in population databases (no rsID available, gnomAD 0.0009%). This variant has not been reported in the literature in individuals affected with TRIP11-related conditions. Algorithms developed to predict the effect of sequence changes on RNA splicing suggest that this variant may create or strengthen a splice site. In summary, the available evidence is currently insufficient to determine the role of this variant in disease. Therefore, it has been classified as a Variant of Uncertain Significance.